The following is an entry in ClinVar:

NM_004448.4(ERBB2):c.2689C>T (p.Arg897Trp)

Gene: ERBB2 (erb-b2 receptor tyrosine kinase 2; plus strand). Cytogenetic location: 17q12.
Variant type: single nucleotide variant.
Coding change: c.2689C>T on transcript NM_004448.4 (MANE Select); coding-DNA position 2689, C replaced by T.
Protein change: p.Arg897Trp; replaces arginine 897 with tryptophan.
Molecular consequence: missense variant. On other transcripts: non-coding transcript variant (1), intron variant (1).
Genome position (GRCh38, 1-based): chr17:39,725,366, C>T. VCF-style: chr17-39725366-C-T. GRCh37 (hg19) VCF-style: chr17-37881619-C-T.
Other names: c.2644C>T, p.Arg882Trp (NM_001289936.2); c.2689C>T, p.Arg897Trp (NM_001289937.2, NM_001382796.1); c.2599C>T, p.Arg867Trp (NM_001382782.1, NM_001382783.1, NM_001005862.3); c.2653C>T, p.Arg885Trp (NM_001382792.1); c.2647C>T, p.Arg883Trp (NM_001382793.1, NM_001382794.1, NM_001382803.1); c.2806C>T, p.Arg936Trp (NM_001382784.1); c.2791C>T, p.Arg931Trp (NM_001382785.1); c.2770C>T, p.Arg924Trp (NM_001382786.1); and 15 more; short protein forms R551W, R811W, R829W, R835W, R837W, R885W, R894W, R896W.
Identifiers: ClinVar variation 2887836 (VCV002887836.3), dbSNP rs375135008, ClinGen allele CA8534362.

ClinVar aggregate classification (germline): Uncertain significance (1 of 4 stars; one submission).

Allele frequency attached by ClinVar (database versions not stated): TOPMed below 0.00001; ExAC 0.00001; gnomAD exomes 0.00001; ESP Exome Variant Server 0.00008.
gnomAD v4.1: 10 of 1,611,364 alleles (0.00062%); highest among the groups gnomAD compares: East Asian, 0.0022%; no homozygotes.

Submission:

Labcorp Genetics (formerly Invitae), Labcorp
Classification: Uncertain significance. Last evaluated: 2023-01-03. Review status: criteria provided, single submitter. Criteria: Invitae Variant Classification Sherloc (09022015). Collection method: clinical testing. Allele origin: germline.
Comment: This sequence change replaces arginine, which is basic and polar, with tryptophan, which is neutral and slightly polar, at codon 897 of the ERBB2 protein (p.Arg897Trp). This variant is present in population databases (rs375135008, gnomAD 0.01%). This variant has not been reported in the literature in individuals affected with ERBB2-related conditions. Advanced modeling of protein sequence and biophysical properties (such as structural, functional, and spatial information, amino acid conservation, physicochemical variation, residue mobility, and thermodynamic stability) performed at Invitae indicates that this missense variant is not expected to disrupt ERBB2 protein function. In summary, the available evidence is currently insufficient to determine the role of this variant in disease. Therefore, it has been classified as a Variant of Uncertain Significance.